The following is an entry in ClinVar:

ClinVar aggregate classification (germline): Likely benign (1 of 4 stars; one submission).

gnomAD v4.1: 6 of 1,607,142 alleles (0.00037%); highest among the groups gnomAD compares: Middle Eastern, 0.017%; no homozygotes.

Submission:

CeGaT Center for Human Genetics Tuebingen
Classification: Likely benign. Last evaluated: 2026-06-01. Review status: criteria provided, single submitter. Criteria: CeGaT Center For Human Genetics Tuebingen Variant Classification Criteria Version 2. Collection method: clinical testing. Allele origin: germline. Affected: yes. Observed: 1 variant allele.
Comment: DLG4: BP4, BP7

NM_001321075.3(DLG4):c.657G>A (p.Gly219=)

Gene: DLG4 (discs large MAGUK scaffold protein 4; minus strand). Cytogenetic location: 17p13.1.
Variant type: single nucleotide variant.
Coding change: c.657G>A on transcript NM_001321075.3 (MANE Select); coding-DNA position 657, G replaced by A.
Protein change: p.Gly219=; no amino-acid change (glycine 219 retained).
Molecular consequence: synonymous variant. On other transcripts: non-coding transcript variant (1).
Genome position (GRCh38, 1-based): chr17:7,203,033, C>T on the plus strand (G>A on the coding strand, the complement: DLG4 is on the minus strand). VCF-style: chr17-7203033-C-T. GRCh37 (hg19) VCF-style: chr17-7106352-C-T.
Other names: c.648G>A, p.Gly216= (NM_001128827.4); c.777G>A, p.Gly259= (NM_001321074.1); c.477G>A, p.Gly159= (NM_001321076.3, NM_001321077.3); c.786G>A, p.Gly262= (NM_001365.5); c.576G>A, p.Gly192= (NM_001369566.3).
Identifiers: ClinVar variation 4874323 (VCV004874323.2).